The following is an entry in ClinVar:

NM_001272046.2(VWA2):c.756G>A (p.Glu252=)

Gene: VWA2 (von Willebrand factor A domain containing 2; plus strand). Cytogenetic location: 10q25.3.
Variant type: single nucleotide variant.
Coding change: c.756G>A on transcript NM_001272046.2 (MANE Select); coding-DNA position 756, G replaced by A.
Protein change: p.Glu252=; no amino-acid change (glutamic acid 252 retained).
Molecular consequence: synonymous variant.
Genome position (GRCh38, 1-based): chr10:114,278,774, G>A. VCF-style: chr10-114278774-G-A. GRCh37 (hg19) VCF-style: chr10-116038533-G-A.
Other names: c.756G>A, p.Glu252= (NM_001320804.1).
Identifiers: ClinVar variation 3031310 (VCV003031310.2), dbSNP rs902059449, ClinGen allele CA214513476.

ClinVar aggregate classification (germline): Likely benign (0 of 4 stars; one submission).

Conditions:
VWA2-related disorder. Also called: VWA2-related condition.

Allele frequency attached by ClinVar (database versions not stated): TOPMed 0.00002.
gnomAD v4.1: 3 of 1,613,922 alleles (0.00019%); highest among the groups gnomAD compares: Admixed American, 0.0017%; no homozygotes.

Submission:

PreventionGenetics, part of Exact Sciences
Classification: Likely benign for VWA2-related condition. Last evaluated: 2021-10-11. Review status: no assertion criteria provided. Collection method: clinical testing. Allele origin: germline.
Comment: This variant is classified as likely benign based on ACMG/AMP sequence variant interpretation guidelines (Richards et al. 2015 PMID: 25741868, with internal and published modifications).